The following is an entry in ClinVar:

NM_022114.4(PRDM16):c.3110-85G>A

Gene: PRDM16 (PR/SET domain 16; plus strand). Cytogenetic location: 1p36.32.
Variant type: single nucleotide variant.
Coding change: c.3110-85G>A on transcript NM_022114.4 (MANE Select); 85 bases into the intron before coding-DNA position 3110, G replaced by A.
Molecular consequence: intron variant.
Genome position (GRCh38, 1-based): chr1:3,425,966, G>A. VCF-style: chr1-3425966-G-A. GRCh37 (hg19) VCF-style: chr1-3342530-G-A.
Other names: c.3110-85G>A (NM_199454.3).
Identifiers: ClinVar variation 674714 (VCV000674714.2), dbSNP rs2244013, ClinGen allele CA10830044.

ClinVar aggregate classification (germline): Benign. Review status: criteria provided, multiple submitters, no conflicts (2 of 4 stars). 2 submissions from 2 submitters: Benign (2). Last evaluated 2018-06-15.

Allele frequency attached by ClinVar (database versions not stated): 1000 Genomes Project 0.37680; gnomAD 0.37863 and 0.39045; 1000 Genomes Project 30x 0.38804; TOPMed 0.40563.
gnomAD v4.1: 399,501 of 1,453,832 alleles (27%); highest among the groups gnomAD compares: African/African-American, 71%; 63,668 homozygotes.

Submissions (2):

GeneDx
Classification: Benign. Last evaluated: 2018-06-15. Review status: criteria provided, single submitter. Criteria: GeneDx Variant Classification (06012015). Collection method: clinical testing. Allele origin: germline. Affected: yes.
Comment: This variant is considered likely benign or benign based on one or more of the following criteria: it is a conservative change, it occurs at a poorly conserved position in the protein, it is predicted to be benign by multiple in silico algorithms, and/or has population frequency not consistent with disease.

Breakthrough Genomics
Classification: Benign. Review status: criteria provided, single submitter. Criteria: ACMG Guidelines, 2015. Collection method: not provided. Allele origin: germline. Inheritance: Autosomal dominant inheritance. Affected: yes.